The following is an entry in ClinVar:

NM_175875.5(SIX5):c.1484A>T (p.Gln495Leu)

Gene: SIX5 (SIX homeobox 5; minus strand). Cytogenetic location: 19q13.32.
Variant type: single nucleotide variant.
Coding change: c.1484A>T on transcript NM_175875.5 (MANE Select); coding-DNA position 1484, A replaced by T.
Protein change: p.Gln495Leu; replaces glutamine 495 with leucine.
Molecular consequence: missense variant.
Genome position (GRCh38, 1-based): chr19:45,766,475, T>A on the plus strand (A>T on the coding strand, the complement: SIX5 is on the minus strand). VCF-style: chr19-45766475-T-A. GRCh37 (hg19) VCF-style: chr19-46269733-T-A.
Other names: short protein forms Q495L.
Identifiers: ClinVar variation 1392140 (VCV001392140.6), dbSNP rs2146206523, ClinGen allele CA406417773.

ClinVar aggregate classification (germline): Uncertain significance (1 of 4 stars; one submission).

Submission:

Labcorp Genetics (formerly Invitae), Labcorp
Classification: Uncertain significance. Last evaluated: 2021-11-08. Review status: criteria provided, single submitter. Criteria: Invitae Variant Classification Sherloc (09022015). Collection method: clinical testing. Allele origin: germline.
Comment: This variant is not present in population databases (gnomAD no frequency). In summary, the available evidence is currently insufficient to determine the role of this variant in disease. Therefore, it has been classified as a Variant of Uncertain Significance. Algorithms developed to predict the effect of missense changes on protein structure and function are either unavailable or do not agree on the potential impact of this missense change (SIFT: "Deleterious"; PolyPhen-2: "Probably Damaging"; Align-GVGD: "Class C0"). This variant has not been reported in the literature in individuals affected with SIX5-related conditions. This sequence change replaces glutamine, which is neutral and polar, with leucine, which is neutral and non-polar, at codon 495 of the SIX5 protein (p.Gln495Leu).